The following is an entry in ClinVar:

NM_001267550.2(TTN):c.20985dup (p.Phe6996fs)

Genes: TTN (titin; minus strand), LOC126806428 (BRD4-independent group 4 enhancer GRCh37_chr2:179588362-179589561; plus strand). Cytogenetic location: 2q31.2.
Variant type: Duplication.
Coding change: c.20985dup on transcript NM_001267550.2 (MANE Select); coding-DNA position 20985, one base duplicated (A; older notation c.20985dupA).
Protein change: p.Phe6996fs; shifts the reading frame from phenylalanine 6996.
Molecular consequence: frameshift variant. On other transcripts: intron variant (3).
Genome position (GRCh38, 1-based): chr2:178,724,390, T duplicated on the plus strand (A on the coding strand, the reverse complement: TTN is on the minus strand); the first of 3 consecutive T bases (chr2:178,724,390-178,724,392); duplicating any one gives the same sequence. VCF-style (leftmost placement, unchanged base first): chr2-178724389-A-AT. GRCh37 (hg19) VCF-style: chr2-179589116-A-AT.
Other names: c.20034dup, p.Phe6679fs (NM_001256850.1); c.17253dup, p.Phe5752fs (NM_133378.4); c.13282+13692dup (NM_003319.4); c.13858+13692dup (NM_133437.4); c.13657+13692dup (NM_133432.3); c.20985dup (NM_001267550.1); short protein forms F5752fs, F6679fs, F6996fs.
Identifiers: ClinVar variation 3367252 (VCV003367252.1).
Genomic context (GRCh38, chr2:178,724,389, plus strand): 5'-CTGCATCTTGCCTTTCAACTGAGAGAATCCTTAAGGAAGAGATTTTGTTGTAGAAGCTAA[A>AT]TTTGTGTTTTTGGCTGCTGGTCAACAGCTTTCCATCCTTGTACCATTCAACAGAGAGTTC-3'

ClinVar aggregate classification (germline): Uncertain significance (1 of 4 stars; one submission).

Submission:

GeneDx
Classification: Uncertain significance. Last evaluated: 2024-01-04. Review status: criteria provided, single submitter. Criteria: GeneDx Variant Classification Process June 2021. Collection method: clinical testing. Allele origin: germline. Affected: yes.
Comment: Not observed at significant frequency in large population cohorts (gnomAD); Frameshift variant predicted to result in protein truncation or nonsense mediated decay in a gene or region of a gene for which loss of function is not a well-established mechanism of disease; Has not been previously published as pathogenic or benign to our knowledge; This variant is associated with the following publications: (PMID: 27625338, 27869827)